The following is an entry in ClinVar:

ClinVar aggregate classification (germline): Uncertain significance. Review status: criteria provided, single submitter (1 of 4 stars). 2 submissions from 2 submitters: Uncertain significance (1). 1 of the submissions does not count toward it. Last evaluated 2025-08-12.

Conditions:
PCSK1-related disorder. Also called: PCSK1-related condition.
Obesity due to prohormone convertase I deficiency. Also called: OBESITY AND ENDOCRINOPATHY DUE TO IMPAIRED PROCESSING OF PROHORMONES. Identifiers: Orphanet 71528, MedGen C1833053, MONDO:0010961, OMIM 600955.

Allele frequency attached by ClinVar (database versions not stated): gnomAD exomes below 0.00001.
gnomAD v4.1: 1 of 1,440,356 alleles (0.000069%); highest among the groups gnomAD compares: Non-Finnish European, 0.000098%; no homozygotes.

Submissions (2):

PreventionGenetics, part of Exact Sciences
Classification: Uncertain significance for PCSK1-related condition. Last evaluated: 2025-08-12. Review status: criteria provided, single submitter. Criteria: ACMG Guidelines, 2015. Collection method: clinical testing. Allele origin: germline.
Comment: The PCSK1 c.620+4A>C variant is predicted to interfere with splicing. This variant was reported in compound heterozygous state with another PCSK1 variant in an individual with extreme obesity and impaired prohormone processing; RNA study confirmed that this variant results in exon 5 skipping (Jackson et al. 1997. PubMed ID: 9207799). This variant has not been reported in a large population database (gnomAD), indicating this variant is rare. although we suspect that this variant may be pathogenic, at this time, the clinical significance of this variant is uncertain due to the absence of conclusive functional and genetic evidence.

OMIM
Classification: Pathogenic for PROPROTEIN CONVERTASE 1/3 DEFICIENCY. Last evaluated: 1997-07-01. Review status: no assertion criteria provided. Collection method: literature only. Allele origin: germline. Not counted in ClinVar's aggregate classification.

Literature cited by the submitters: PubMed 9207799 (cited by OMIM).

NM_000439.5(PCSK1):c.620+4A>C

Genes: CAST (calpastatin; plus strand), PCSK1 (proprotein convertase subtilisin/kexin type 1; minus strand), LOC101929710 (uncharacterized LOC101929710; plus strand). Cytogenetic location: 5q15.
Variant type: single nucleotide variant.
Coding change: c.620+4A>C on transcript NM_000439.5 (MANE Select); 4 bases into the intron after coding-DNA position 620, A replaced by C.
Molecular consequence: intron variant.
Genome position (GRCh38, 1-based): chr5:96,421,876, T>G on the plus strand (A>C on the coding strand, the complement: PCSK1 is on the minus strand). VCF-style: chr5-96421876-T-G. GRCh37 (hg19) VCF-style: chr5-95757580-T-G.
Other names: IVS5DS, A-C, +4; c.479+4A>C (NM_001177875.2).
Identifiers: ClinVar variation 14037 (VCV000014037.3), dbSNP rs1580764441, ClinGen allele CA913187428.